The following is an entry in ClinVar:

ClinVar aggregate classification (germline): Benign (1 of 4 stars; one submission).

Submission:

Laboratory for Molecular Medicine, Mass General Brigham Personalized Medicine
Classification: Benign. Last evaluated: 2016-03-28. Review status: criteria provided, single submitter. Criteria: LMM Criteria. Collection method: clinical testing. Allele origin: germline.
Comment: Variant identified in a genome or exome case(s) and assessed due to predicted null impact of the variant or pathogenic assertions in the literature or databases. Disclaimer: This variant has not undergone full assessment. The following are preliminary notes: Frequency

NM_002458.3(MUC5B):c.2377+12CCCTG[3]

Gene: MUC5B (mucin 5B, oligomeric mucus/gel-forming; plus strand). Cytogenetic location: 11p15.5.
Variant type: Microsatellite.
Coding change: c.2377+12CCCTG[3] on transcript NM_002458.3 (MANE Select); three copies in a row of the 5-base unit CCCTG starting at c.2377+12.
Molecular consequence: intron variant.
Genome position: GRCh38 VCF-style: chr11-1233859-CCCCTG-C. GRCh37 (hg19) VCF-style: chr11-1255089-CCCCTG-C.
Identifiers: ClinVar variation 403127 (VCV000403127.4), dbSNP rs55859402, ClinGen allele CA5804667.